The following is an entry in ClinVar:

NC_000007.13:g.(?_128498052)_(128498587_?)dup

Genes: FLNC (filamin C; plus strand), FLNC-AS1 (FLNC antisense RNA 1; minus strand). Cytogenetic location: 7q32.1.
Variant type: Duplication.
Identifiers: ClinVar variation 641550 (VCV000641550.3).

ClinVar aggregate classification (germline): Uncertain significance (1 of 4 stars; one submission).

Conditions:
Distal myopathy with posterior leg and anterior hand involvement. Also called: WILLIAMS DISTAL MYOPATHY. Identifiers: Orphanet 63273, MedGen C3279722, MONDO:0013550, OMIM 614065.
Myofibrillar myopathy 5. Also called: FILAMINOPATHY, AUTOSOMAL DOMINANT; Filaminopathy (type). Identifiers: Orphanet 171445, MedGen C1836050, MONDO:0012289, OMIM 609524.
Dilated Cardiomyopathy, Dominant.
Hypertrophic cardiomyopathy 26. Also called: Cardiomyopathy, familial hypertrophic, 26. Identifiers: Orphanet 75249, MedGen C4310749, MONDO:0014883, OMIM 617047.

Submission:

Labcorp Genetics (formerly Invitae), Labcorp
Classification: Uncertain significance for Myopathy, distal, 4; Dilated Cardiomyopathy, Dominant; Myofibrillar myopathy, filamin C-related; Cardiomyopathy, familial hypertrophic, 26. Last evaluated: 2019-12-11. Review status: criteria provided, single submitter. Criteria: Invitae Variant Classification Sherloc (09022015). Collection method: clinical testing. Allele origin: germline.
Comment: This variant results in a copy number gain of the genomic region encompassing exons 47-48 of the FLNC gene. The 5' boundary is likely confined to intron 46. The 3' end of this event is unknown as it extends beyond the assayed region for this gene and therefore may encompass additional genes. As the precise location of this event is unknown, it may be in tandem or it may be located elsewhere in the genome. This variant has not been reported in the literature in individuals with FLNC-related disease. In summary, the available evidence is currently insufficient to determine the role of this variant in disease. Therefore, it has been classified as a Variant of Uncertain Significance.